The following is an entry in ClinVar:

ClinVar aggregate classification (germline): Uncertain significance. Review status: criteria provided, multiple submitters, no conflicts (2 of 4 stars). 2 submissions from 2 submitters: Uncertain significance (2). Last evaluated 2024-11-18.

Allele frequency attached by ClinVar (database versions not stated): gnomAD exomes below 0.00001.
gnomAD v4.1: 2 of 1,552,498 alleles (0.00013%); highest among the groups gnomAD compares: African/African-American, 0.0014%; no homozygotes.

Submissions (2):

Blueprint Genetics
Classification: Uncertain significance. Last evaluated: 2024-11-18. Review status: criteria provided, single submitter. Criteria: ACMG Guidelines, 2015. Collection method: clinical testing. Allele origin: germline.

GeneDx
Classification: Uncertain significance. Last evaluated: 2014-07-29. Review status: criteria provided, single submitter. Criteria: GeneDx Variant Classification (06012015). Collection method: clinical testing. Allele origin: germline. Affected: yes.
Comment: TAAD is a genetically heterogeneous disorder characterized by aortic dilatation, aneurysms, dissections and/or aneurysms of other major arteries. Approximately 4% of patients with autosomal dominant Ehlers-Danlos syndrome (EDS), classic type, have been reported to have a mutation in the COL5A2 gene (Malfait F et al., 2011). p.Pro998Leu (CCT>CTT): c.2993 C>T in exon 43 of the COL5A2 gene (NM_000393.3)A variant of unknown significance has been identified in the COL5A2 gene. The P998L variant has not been published as a mutation, nor has it been reported as a benign polymorphism to our knowledge. The P998L variant was not observed in approximately 6,300 individuals of European and African American ancestry in the NHLBI Exome Sequencing Project, indicating it is not a common benign variant in these populations. The P998L variant is a semi-conservative amino acid substitution, which may impact secondary protein structure as these residues differ in some properties. This substitution occurs at a position that is conserved across species. In silico analysis predicts this variant is probably damaging to the protein structure/function. However, no missense mutations in nearby residues have been reported in association with EDS indicating that this region of the protein may be tolerant of change. Therefore, based on the currently available information, it is unclear whether this variant is a pathogenic mutation or a rare benign variant. This result cannot be interpreted for diagnosis or used for family member screening at this time. This variant was found in TAAD.

NM_000393.5(COL5A2):c.2993C>T (p.Pro998Leu)

Gene: COL5A2 (collagen type V alpha 2 chain; minus strand). Cytogenetic location: 2q32.2.
Variant type: single nucleotide variant.
Coding change: c.2993C>T on transcript NM_000393.5 (MANE Select); coding-DNA position 2993, C replaced by T.
Protein change: p.Pro998Leu; replaces proline 998 with leucine.
Molecular consequence: missense variant.
Genome position (GRCh38, 1-based): chr2:189,050,615, G>A on the plus strand (C>T on the coding strand, the complement: COL5A2 is on the minus strand). VCF-style: chr2-189050615-G-A. GRCh37 (hg19) VCF-style: chr2-189915341-G-A.
Other names: p.P998L:CCT>CTT; short protein forms P998L.
Identifiers: ClinVar variation 213113 (VCV000213113.3), dbSNP rs863223494, ClinGen allele CA321093.
Genomic context (GRCh38, chr2:189,050,615, plus strand): 5'-ATGCAGCTACTCACCGCTGGGCCTGGTAGGCCGGGCATGCCTCTCTCTCCACGTTGCCCA[G>A]GCATGCCAACAATTCCTCTCTGCCCGGTCGTTCCAGCTGGACCAGGGGGGCCATCTGGAC-3'
Protein context (NP_000384.2, residues 988-1008): TTGQRGIVGM[Pro998Leu]GQRGERGMPG